The following is an entry in ClinVar:

NM_198578.4(LRRK2):c.4340T>G (p.Val1447Gly)

Gene: LRRK2 (leucine rich repeat kinase 2; plus strand). Cytogenetic location: 12q12.
Variant type: single nucleotide variant.
Coding change: c.4340T>G on transcript NM_198578.4 (MANE Select); coding-DNA position 4340, T replaced by G.
Protein change: p.Val1447Gly; replaces valine 1447 with glycine.
Molecular consequence: missense variant.
Genome position (GRCh38, 1-based): chr12:40,310,453, T>G. VCF-style: chr12-40310453-T-G. GRCh37 (hg19) VCF-style: chr12-40704255-T-G.
Other names: short protein forms V1447G.
Identifiers: ClinVar variation 3769912 (VCV003769912.2).
Genomic context (GRCh38, chr12:40,310,453, plus strand): 5'-AAAGCAAACACAAGAGGGTTTTGTGTCTTTCCCTCCAGGCTCGCGCTTCTTCTTCCCCTG[T>G]GATTCTCGTTGGCACACATTTGGATGTTTCTGATGAGAAGCAACGCAAAGCCTGCATGAG-3'
Protein context (NP_940980.4, residues 1437-1457): NIKARASSSP[Val1447Gly]ILVGTHLDVS

ClinVar aggregate classification (germline): Uncertain significance. Review status: criteria provided, multiple submitters, no conflicts (2 of 4 stars). 2 submissions from 2 submitters: Uncertain significance (2). Last evaluated 2024-08-30.

gnomAD v4.1: 18 of 1,613,274 alleles (0.0011%); highest among the groups gnomAD compares: African/African-American, 0.0027%; no homozygotes.

Submissions (2):

Blueprint Genetics
Classification: Uncertain significance. Last evaluated: 2024-08-30. Review status: criteria provided, single submitter. Criteria: ACMG Guidelines, 2015. Collection method: clinical testing. Allele origin: germline.

GeneDx
Classification: Uncertain significance. Last evaluated: 2024-08-29. Review status: criteria provided, single submitter. Criteria: GeneDx Variant Classification Process June 2021. Collection method: clinical testing. Allele origin: germline. Affected: yes.
Comment: Not observed at significant frequency in large population cohorts (gnomAD); In silico analysis supports that this missense variant has a deleterious effect on protein structure/function; Has not been previously published as pathogenic or benign to our knowledge